The following is an entry in ClinVar:

ClinVar aggregate classification (germline): Uncertain significance (1 of 4 stars; one submission).

Submission:

Labcorp Genetics (formerly Invitae), Labcorp
Classification: Uncertain significance. Last evaluated: 2022-03-13. Review status: criteria provided, single submitter. Criteria: Invitae Variant Classification Sherloc (09022015). Collection method: clinical testing. Allele origin: germline.
Comment: This variant is not present in population databases (gnomAD no frequency). This sequence change replaces glycine, which is neutral and non-polar, with valine, which is neutral and non-polar, at codon 45 of the DHX32 protein (p.Gly45Val). This variant has not been reported in the literature in individuals affected with DHX32-related conditions. Algorithms developed to predict the effect of missense changes on protein structure and function are either unavailable or do not agree on the potential impact of this missense change (SIFT: "Deleterious"; PolyPhen-2: "Probably Damaging"; Align-GVGD: "Class C0"). In summary, the available evidence is currently insufficient to determine the role of this variant in disease. Therefore, it has been classified as a Variant of Uncertain Significance.

NM_018180.3(DHX32):c.134G>T (p.Gly45Val)

Gene: DHX32 (DEAH-box helicase 32 (putative); minus strand). Cytogenetic location: 10q26.2.
Variant type: single nucleotide variant.
Coding change: c.134G>T on transcript NM_018180.3 (MANE Select); coding-DNA position 134, G replaced by T.
Protein change: p.Gly45Val; replaces glycine 45 with valine.
Molecular consequence: missense variant.
Genome position (GRCh38, 1-based): chr10:125,880,691, C>A on the plus strand (G>T on the coding strand, the complement: DHX32 is on the minus strand). VCF-style: chr10-125880691-C-A. GRCh37 (hg19) VCF-style: chr10-127569260-C-A.
Other names: short protein forms G45V.
Identifiers: ClinVar variation 2111090 (VCV002111090.4), dbSNP rs2494475547, ClinGen allele CA378668926.